The following is an entry in ClinVar:

ClinVar aggregate classification (germline): Uncertain significance (1 of 4 stars; one submission).

Conditions:
Cardiovascular phenotype. Identifiers: MedGen CN230736.

Submission:

Ambry Genetics
Classification: Uncertain significance for Cardiovascular phenotype. Last evaluated: 2025-03-25. Review status: criteria provided, single submitter. Criteria: Ambry Variant Classification Scheme 2023. Collection method: clinical testing. Allele origin: germline.
Comment: The p.P994T variant (also known as c.2980C>A), located in coding exon 19 of the SOS2 gene, results from a C to A substitution at nucleotide position 2980. The proline at codon 994 is replaced by threonine, an amino acid with highly similar properties. This amino acid position is conserved. In addition, the in silico prediction for this alteration is inconclusive. Based on the available evidence, the clinical significance of this variant remains unclear.

NM_006939.4(SOS2):c.2980C>A (p.Pro994Thr)

Gene: SOS2 (SOS Ras/Rho guanine nucleotide exchange factor 2; minus strand). Cytogenetic location: 14q21.3.
Variant type: single nucleotide variant.
Coding change: c.2980C>A on transcript NM_006939.4 (MANE Select); coding-DNA position 2980, C replaced by A.
Protein change: p.Pro994Thr; replaces proline 994 with threonine.
Molecular consequence: missense variant.
Genome position (GRCh38, 1-based): chr14:50,134,218, G>T on the plus strand (C>A on the coding strand, the complement: SOS2 is on the minus strand). VCF-style: chr14-50134218-G-T. GRCh37 (hg19) VCF-style: chr14-50600936-G-T.
Other names: c.2881C>A, p.Pro961Thr (NM_001411020.1); short protein forms P961T, P994T.
Identifiers: ClinVar variation 3959857 (VCV003959857.1).
Genomic context (GRCh38, chr14:50,134,218, plus strand): 5'-TTTCTAGTGACTTGTTGAACAAATAATCTGTAAACTCTTTTTCAGATGCACTTCCCATGG[G>T]GTTAAGGTTTTCAAAGAATCTCTGGAATTAAACAAATAACACAAGTGCATATATAGTAAG-3'
Protein context (NP_008870.2, residues 984-1004): DMRRFFENLN[Pro994Thr]MGSASEKEFT